The following is an entry in ClinVar:

ClinVar aggregate classification (germline): Likely benign (1 of 4 stars; one submission).

gnomAD v4.1: 107 of 1,548,682 alleles (0.0069%); highest among the groups gnomAD compares: Non-Finnish European, 0.008%; no homozygotes.

Submission:

CeGaT Center for Human Genetics Tuebingen
Classification: Likely benign. Last evaluated: 2026-09-01. Review status: criteria provided, single submitter. Criteria: CeGaT Center For Human Genetics Tuebingen Variant Classification Criteria Version 2. Collection method: clinical testing. Allele origin: germline. Affected: yes. Observed: 1 variant allele.
Comment: CCNF: BP4, BP7

NM_001761.3(CCNF):c.1908C>T (p.Leu636=)

Genes: CCNF (cyclin F; plus strand), LOC105371050 (uncharacterized LOC105371050; minus strand). Cytogenetic location: 16p13.3.
Variant type: single nucleotide variant.
Coding change: c.1908C>T on transcript NM_001761.3 (MANE Select); coding-DNA position 1908, C replaced by T.
Protein change: p.Leu636=; no amino-acid change (leucine 636 retained).
Molecular consequence: synonymous variant. On other transcripts: non-coding transcript variant (1).
Genome position (GRCh38, 1-based): chr16:2,456,567, C>T. VCF-style: chr16-2456567-C-T. GRCh37 (hg19) VCF-style: chr16-2506568-C-T.
Other names: c.984C>T, p.Leu328= (NM_001323538.2).
Identifiers: ClinVar variation 5041069 (VCV005041069.1).